The following is an entry in ClinVar:

ClinVar aggregate classification (germline): Pathogenic (1 of 4 stars; one submission).

Conditions:
Pyridoxal phosphate-responsive seizures (PNPOD). Also called: EPILEPTIC ENCEPHALOPATHY, NEONATAL, PNPO-RELATED; SEIZURES, PYRIDOXINE-RESISTANT, PLP-SENSITIVE; Pyridoxamine 5-Prime-Phosphate Oxidase Deficiency; Pyridoxine-5'-phosphate oxidase deficiency; Pyridoxal 5'-Phosphate (PLP)-Dependent Epilepsy. Identifiers: Orphanet 79096, MedGen C1864723, MONDO:0012407, OMIM 610090. Disease mechanism: loss of function.

Submission:

Labcorp Genetics (formerly Invitae), Labcorp
Classification: Pathogenic for Pyridoxal phosphate-responsive seizures. Last evaluated: 2024-11-30. Review status: criteria provided, single submitter. Criteria: Invitae Variant Classification Sherloc (09022015). Collection method: clinical testing. Allele origin: germline.
Comment: This sequence change creates a premature translational stop signal (p.Tyr41*) in the PNPO gene. It is expected to result in an absent or disrupted protein product. Loss-of-function variants in PNPO are known to be pathogenic (PMID: 15772097, 24645144). This variant is not present in population databases (gnomAD no frequency). This variant has not been reported in the literature in individuals affected with PNPO-related conditions. For these reasons, this variant has been classified as Pathogenic.

Literature cited by the submitters: PubMed 15772097; PubMed 24645144.

NM_018129.4(PNPO):c.123C>A (p.Tyr41Ter)

Gene: PNPO (pyridoxamine 5'-phosphate oxidase; plus strand). Cytogenetic location: 17q21.32.
Variant type: single nucleotide variant.
Coding change: c.123C>A on transcript NM_018129.4 (MANE Select); coding-DNA position 123, C replaced by A.
Protein change: p.Tyr41Ter; replaces tyrosine 41 with a stop codon.
Molecular consequence: nonsense.
Genome position (GRCh38, 1-based): chr17:47,941,798, C>A. VCF-style: chr17-47941798-C-A. GRCh37 (hg19) VCF-style: chr17-46019164-C-A.
Other names: short protein forms Y41*.
Identifiers: ClinVar variation 3613711 (VCV003613711.2).
Genomic context (GRCh38, chr17:47,941,798, plus strand): 5'-CCTCAGTCACCTGTGTGGTCGCAGTGCTGCCATGGACCTGGGACCCATGCGCAAGAGTTA[C>A]CGCGGGGACCGAGAGGTGCCGCCGCTAGGGCCAGGCCTCCTGCAGGGGCGGGGGAAAAGG-3'